The following is an entry in ClinVar:

ClinVar aggregate classification (germline): Benign. Review status: criteria provided, multiple submitters, no conflicts (2 of 4 stars). 2 submissions from 2 submitters: Benign (2). Last evaluated 2018-01-13.

Conditions:
Parietal foramina 2 (PFM2). Identifiers: Orphanet 60015, MedGen C1865044, MONDO:0012309, OMIM 609597.

Allele frequency attached by ClinVar (database versions not stated): 1000 Genomes Project 0.06310; 1000 Genomes Project 30x 0.06527; gnomAD 0.08642 and 0.08833; TOPMed 0.08862; gnomAD exomes 0.21429.
gnomAD v4.1: 13,162 of 152,220 alleles (8.6%); highest among the groups gnomAD compares: Middle Eastern, 18%; 658 homozygotes.

Submissions (2):

Illumina Laboratory Services, Illumina
Classification: Benign for Parietal foramina 2. Last evaluated: 2018-01-13. Review status: criteria provided, single submitter. Criteria: ICSL Variant Classification Criteria 13 December 2019. Collection method: clinical testing. Allele origin: germline.
Comment: This variant was observed in the ICSL laboratory as part of a predisposition screen in an ostensibly healthy population. It had not been previously curated by ICSL or reported in the Human Gene Mutation Database (HGMD: prior to June 1st, 2018), and was therefore a candidate for classification through an automated scoring system. Utilizing variant allele frequency, disease prevalence and penetrance estimates, and inheritance mode, an automated score was calculated to assess if this variant is too frequent to cause the disease. Based on the score and internal cut-off values, a variant classified as benign is not then subjected to further curation. The score for this variant resulted in a classification of benign for this disease.

Breakthrough Genomics
Classification: Benign. Review status: criteria provided, single submitter. Criteria: ACMG Guidelines, 2015. Collection method: not provided. Allele origin: germline. Inheritance: Autosomal recessive inheritance. Affected: yes.

NM_021926.4(ALX4):c.*1896A>G

Gene: ALX4 (ALX homeobox 4; minus strand). Cytogenetic location: 11p11.2.
Variant type: single nucleotide variant.
Coding change: c.*1896A>G on transcript NM_021926.4 (MANE Select); 1896 bases downstream of the stop codon, A replaced by G.
Molecular consequence: 3 prime UTR variant.
Genome position (GRCh38, 1-based): chr11:44,262,958, T>C on the plus strand (A>G on the coding strand, the complement: ALX4 is on the minus strand). VCF-style: chr11-44262958-T-C. GRCh37 (hg19) VCF-style: chr11-44284508-T-C.
Other names: c.*1896A>G (LRG_1256t1).
Identifiers: ClinVar variation 304649 (VCV000304649.6), dbSNP rs55959427, ClinGen allele CA10638538.
Genomic context (GRCh38, chr11:44,262,958, plus strand): 5'-GTCACTCCAAATCCTCAAATATTTGAAACACTTAAAGCCAAGCCTCCAAGAACATTTAAT[T>C]CAATGTCCAAGACCCTTTCACCTCTATAAGATCCATTTTAGAGCTACGGTTCACAAAGAG-3'